The following is an entry in ClinVar:

ClinVar aggregate classification (germline): Likely benign. Review status: criteria provided, multiple submitters, no conflicts (2 of 4 stars). 4 submissions from 4 submitters: Likely benign (4). Last evaluated 2025-09-10.

Conditions:
Cardiovascular phenotype. Identifiers: MedGen CN230736.
Familial hypercholesterolemia. Also called: Familial hypercholesterolaemia; Familial hypercholesterolemias. Identifiers: MedGen C0020445, MONDO:0005439.
Hypercholesterolemia, autosomal dominant, 3 (FHCL3). Also called: PCSK9-Related Familial Hypercholesterolemia, Autosomal Dominant; Familial hypercholesterolemia 3; Familial Hypercholesterolemia, Autosomal Dominant, 3. Identifiers: MedGen C1863551, MONDO:0011369, OMIM 603776.

Allele frequency attached by ClinVar (database versions not stated): gnomAD exomes 0.00002 and 0.00006; ExAC 0.00003; TOPMed 0.00005; gnomAD 0.00006 and 0.00007.
gnomAD v4.1: 36 of 1,612,978 alleles (0.0022%); highest among the groups gnomAD compares: East Asian, 0.02%; no homozygotes.

Submissions (4):

Labcorp Genetics (formerly Invitae), Labcorp
Classification: Likely benign for Hypercholesterolemia, autosomal dominant, 3. Last evaluated: 2025-09-10. Review status: criteria provided, single submitter. Criteria: Invitae Variant Classification Sherloc (09022015). Collection method: clinical testing. Allele origin: germline.

Ambry Genetics
Classification: Likely benign for Cardiovascular phenotype. Last evaluated: 2024-08-23. Review status: criteria provided, single submitter. Criteria: Ambry Variant Classification Scheme 2023. Collection method: clinical testing. Allele origin: germline.

All of Us Research Program, National Institutes of Health
Classification: Likely benign for Hypercholesterolemia, autosomal dominant, 3. Last evaluated: 2023-12-18. Review status: criteria provided, single submitter. Criteria: ACMG Guidelines, 2015. Collection method: clinical testing. Allele origin: germline. Inheritance: Autosomal dominant inheritance. Observed: 4 variant alleles, 4 heterozygotes.
Comment: This study involves interpretation of variants in research participants for the purpose of population health screening. Participant phenotype was not available at the time of variant classification. Additional details can be found in publication PMID: 35346344, PMCID: PMC8962531

Color Diagnostics, LLC DBA Color Health
Classification: Likely benign for Familial hypercholesterolemia. Last evaluated: 2019-10-05. Review status: criteria provided, single submitter. Criteria: ACMG Guidelines, 2015. Collection method: clinical testing. Allele origin: germline.

NM_174936.4(PCSK9):c.786C>T (p.Ser262=)

Gene: PCSK9 (proprotein convertase subtilisin/kexin type 9; plus strand). Cytogenetic location: 1p32.3.
Variant type: single nucleotide variant.
Coding change: c.786C>T on transcript NM_174936.4 (MANE Select); coding-DNA position 786, C replaced by T.
Protein change: p.Ser262=; no amino-acid change (serine 262 retained).
Molecular consequence: synonymous variant. On other transcripts: non-coding transcript variant (8).
Genome position (GRCh38, 1-based): chr1:55,052,778, C>T. VCF-style: chr1-55052778-C-T. GRCh37 (hg19) VCF-style: chr1-55518451-C-T.
Other names: c.909C>T, p.Ser303= (NM_001407240.1); c.786C>T, p.Ser262= (NM_001407241.1, NM_001407244.1, NM_001407247.1); c.789C>T, p.Ser263= (NM_001407242.1); c.729C>T, p.Ser243= (NM_001407243.1); c.594C>T, p.Ser198= (NM_001407245.1); c.411C>T, p.Ser137= (NM_001407246.1).
Identifiers: ClinVar variation 926530 (VCV000926530.14), dbSNP rs763759839, ClinGen allele CA044425.